The following is an entry in ClinVar:

NM_006231.4(POLE):c.5866G>A (p.Glu1956Lys)

Gene: POLE (DNA polymerase epsilon, catalytic subunit; minus strand). Cytogenetic location: 12q24.33.
Variant type: single nucleotide variant.
Coding change: c.5866G>A on transcript NM_006231.4 (MANE Select); coding-DNA position 5866, G replaced by A.
Protein change: p.Glu1956Lys; replaces glutamic acid 1956 with lysine.
Molecular consequence: missense variant.
Genome position (GRCh38, 1-based): chr12:132,634,324, C>T on the plus strand (G>A on the coding strand, the complement: POLE is on the minus strand). VCF-style: chr12-132634324-C-T. GRCh37 (hg19) VCF-style: chr12-133210910-C-T.
Other names: short protein forms E1956K.
Identifiers: ClinVar variation 405680 (VCV000405680.25), dbSNP rs749992643, ClinGen allele CA6892351.

ClinVar aggregate classification (germline): Conflicting classifications of pathogenicity. Review status: criteria provided, conflicting classifications (1 of 4 stars). 8 submissions from 8 submitters: Uncertain significance (5); Likely benign (3). Last evaluated 2026-01-13.

Conditions:
Hereditary cancer. Identifiers: MedGen C1333600.
Hereditary cancer-predisposing syndrome. Also called: Hereditary neoplastic syndrome; Neoplastic Syndromes, Hereditary; Hereditary Cancer Syndrome; Tumor predisposition. Identifiers: Orphanet 140162, MedGen C0027672, MeSH D009386, MONDO:0015356.
Facial dysmorphism-immunodeficiency-livedo-short stature syndrome. Also called: Facial dysmorphism, immunodeficiency, livedo, and short stature; FILS syndrome. Identifiers: Orphanet 352712, MedGen C3554576, MONDO:0014058, OMIM 615139.
Colorectal cancer, susceptibility to, 12 (CRCS12). Also called: COLORECTAL CANCER, SUSCEPTIBILITY TO, ON CHROMOSOME 12q24. Identifiers: Orphanet 220460, MedGen C3554460, MONDO:0014038, OMIM 615083.

Allele frequency attached by ClinVar (database versions not stated): ExAC 0.00001; gnomAD 0.00001; gnomAD exomes 0.00001 and 0.00002; TOPMed 0.00001.
gnomAD v4.1: 26 of 1,614,002 alleles (0.0016%); highest among the groups gnomAD compares: Non-Finnish European, 0.0021%; no homozygotes.

Submissions (8):

Labcorp Genetics (formerly Invitae), Labcorp
Classification: Uncertain significance. Last evaluated: 2026-01-13. Review status: criteria provided, single submitter. Criteria: Invitae Variant Classification Sherloc (09022015). Collection method: clinical testing. Allele origin: germline.
Comment: This sequence change replaces glutamic acid, which is acidic and polar, with lysine, which is basic and polar, at codon 1956 of the POLE protein (p.Glu1956Lys). This variant is present in population databases (rs749992643, gnomAD 0.003%). This variant has not been reported in the literature in individuals affected with POLE-related conditions. ClinVar contains an entry for this variant (Variation ID: 405680). Experimental studies and prediction algorithms are not available or were not evaluated, and the functional significance of this variant is currently unknown. In summary, the available evidence is currently insufficient to determine the role of this variant in disease. Therefore, it has been classified as a Variant of Uncertain Significance.

Dasa
Classification: Likely benign. Last evaluated: 2025-12-29. Review status: criteria provided, single submitter. Criteria: DASA Assertion Criteria. Collection method: clinical testing. Allele origin: germline.
Comment: NM_006231.4(POLE):c.5866G>A (p.Glu1956Lys) is a missense variant that results in the substitution of glutamic acid with lysine. The variant context is inconsistent with a known disease-causing mechanism. Computational prediction algorithms are consistent with a benign effect. Therefore, based on the currently available evidence, this variant is classified as likely benign.

Ambry Genetics
Classification: Likely benign for Hereditary cancer-predisposing syndrome. Last evaluated: 2025-01-10. Review status: criteria provided, single submitter. Criteria: Ambry Variant Classification Scheme 2023. Collection method: clinical testing. Allele origin: germline.

Mendelics
Classification: Likely benign for Hereditary cancer. Last evaluated: 2024-01-23. Review status: criteria provided, single submitter. Criteria: ACMG Guidelines, 2015. Collection method: clinical testing. Allele origin: unknown.

GeneDx
Classification: Uncertain significance. Last evaluated: 2023-10-11. Review status: criteria provided, single submitter. Criteria: GeneDx Variant Classification Process June 2021. Collection method: clinical testing. Allele origin: germline. Affected: yes.
Comment: Not observed at significant frequency in large population cohorts (gnomAD); In silico analysis supports that this missense variant does not alter protein structure/function; Has not been previously published as pathogenic or benign to our knowledge; This variant is associated with the following publications: (PMID: 29056344)

Blueprint Genetics
Classification: Uncertain significance. Last evaluated: 2022-07-18. Review status: criteria provided, single submitter. Criteria: ACMG Guidelines, 2015. Collection method: clinical testing. Allele origin: germline.

Revvity Omics, Revvity
Classification: Uncertain significance. Last evaluated: 2019-11-15. Review status: criteria provided, single submitter. Criteria: ACMG Guidelines, 2015. Collection method: clinical testing. Allele origin: germline.

Fulgent Genetics
Classification: Uncertain significance for Colorectal cancer, susceptibility to, 12; Facial dysmorphism-immunodeficiency-livedo-short stature syndrome. Last evaluated: 2018-10-31. Review status: criteria provided, single submitter. Criteria: ACMG Guidelines, 2015. Collection method: clinical testing. Allele origin: unknown.